The following is an entry in ClinVar:

ClinVar aggregate classification (germline): Benign. Review status: criteria provided, multiple submitters, no conflicts (2 of 4 stars). 4 submissions from 4 submitters: Benign (4). Last evaluated 2026-01-28.

Conditions:
Ritscher-Schinzel syndrome. Also called: CRANIOCEREBELLOCARDIAC DYSPLASIA. Identifiers: Orphanet 7, MedGen C0796137, MONDO:0019078.
Hereditary spastic paraplegia 8 (SPG8). Also called: SPASTIC PARAPLEGIA 8, AUTOSOMAL DOMINANT. Identifiers: Orphanet 100989, MedGen C1863704, MONDO:0011339, OMIM 603563.

Allele frequency attached by ClinVar (database versions not stated): ESP Exome Variant Server 0.13281; 1000 Genomes Project 0.17392; 1000 Genomes Project 30x 0.17552; TOPMed 0.13848.
gnomAD v4.1: 69,270 of 1,243,278 alleles (5.6%); highest among the groups gnomAD compares: African/African-American, 38%; 6,708 homozygotes.

Submissions (4):

Labcorp Genetics (formerly Invitae), Labcorp
Classification: Benign for Ritscher-Schinzel syndrome; Hereditary spastic paraplegia 8. Last evaluated: 2026-01-28. Review status: criteria provided, single submitter. Criteria: Invitae Variant Classification Sherloc (09022015). Collection method: clinical testing. Allele origin: germline.

GeneDx
Classification: Benign. Last evaluated: 2016-02-24. Review status: criteria provided, single submitter. Criteria: GeneDx Variant Classification (06012015). Collection method: clinical testing. Allele origin: germline. Affected: yes.
Comment: This variant is considered likely benign or benign based on one or more of the following criteria: it is a conservative change, it occurs at a poorly conserved position in the protein, it is predicted to be benign by multiple in silico algorithms, and/or has population frequency not consistent with disease.

Eurofins Ntd Llc (ga)
Classification: Benign. Last evaluated: 2014-07-08. Review status: criteria provided, single submitter. Criteria: EGL Classification Definitions 2015. Collection method: clinical testing. Allele origin: germline. Observed: 1 variant allele, 1 heterozygote.

Breakthrough Genomics
Classification: Benign. Review status: criteria provided, single submitter. Criteria: ACMG Guidelines, 2015. Collection method: not provided. Allele origin: germline. Inheritance: Autosomal recessive inheritance. Affected: yes.

NM_014846.4(WASHC5):c.333-19A>G

Gene: WASHC5 (WASH complex subunit 5; minus strand). Cytogenetic location: 8q24.13.
Variant type: single nucleotide variant.
Coding change: c.333-19A>G on transcript NM_014846.4 (MANE Select); 19 bases into the intron before coding-DNA position 333, A replaced by G.
Molecular consequence: intron variant.
Genome position (GRCh38, 1-based): chr8:125,082,486, T>C on the plus strand (A>G on the coding strand, the complement: WASHC5 is on the minus strand). VCF-style: chr8-125082486-T-C. GRCh37 (hg19) VCF-style: chr8-126094728-T-C.
Other names: c.-112-19A>G (NM_001330609.2).
Identifiers: ClinVar variation 197301 (VCV000197301.13), dbSNP rs2384916, ClinGen allele CA202805.